The following is an entry in ClinVar:

ClinVar aggregate classification (germline): Pathogenic (1 of 4 stars; one submission).

Submission:

GeneDx
Classification: Pathogenic. Last evaluated: 2025-06-30. Review status: criteria provided, single submitter. Criteria: GeneDx Variant Classification Process June 2021. Collection method: clinical testing. Allele origin: germline.
Comment: Published functional studies demonstrate a damaging effect including impaired transactivation as well as impaired DNA binding (PMID: 37057675); In silico analysis supports that this missense variant has a deleterious effect on protein structure/function; Not observed at significant frequency in large population cohorts (gnomAD); This variant is associated with the following publications: (PMID: 37057675)

NM_004789.4(LHX2):c.948C>G (p.Asn316Lys)

Gene: LHX2 (LIM homeobox 2; plus strand). Cytogenetic location: 9q33.3.
Variant type: single nucleotide variant.
Coding change: c.948C>G on transcript NM_004789.4 (MANE Select); coding-DNA position 948, C replaced by G.
Protein change: p.Asn316Lys; replaces asparagine 316 with lysine.
Molecular consequence: missense variant.
Genome position (GRCh38, 1-based): chr9:124,032,434, C>G. VCF-style: chr9-124032434-C-G. GRCh37 (hg19) VCF-style: chr9-126794713-C-G.
Other names: short protein forms N316K.
Identifiers: ClinVar variation 3340743 (VCV003340743.2).